The following is an entry in ClinVar:

NM_002340.6(LSS):c.978C>T (p.Asp326=)

Gene: LSS (lanosterol synthase; minus strand). Cytogenetic location: 21q22.3.
Variant type: single nucleotide variant.
Coding change: c.978C>T on transcript NM_002340.6 (MANE Select); coding-DNA position 978, C replaced by T.
Protein change: p.Asp326=; no amino-acid change (aspartic acid 326 retained).
Molecular consequence: synonymous variant.
Genome position (GRCh38, 1-based): chr21:46,215,213, G>A on the plus strand (C>T on the coding strand, the complement: LSS is on the minus strand). VCF-style: chr21-46215213-G-A. GRCh37 (hg19) VCF-style: chr21-47635127-G-A.
Other names: c.978C>T, p.Asp326= (NM_001001438.3); c.945C>T, p.Asp315= (NM_001145436.2); c.738C>T, p.Asp246= (NM_001145437.2).
Identifiers: ClinVar variation 2652815 (VCV002652815.24), dbSNP rs142548719, ClinGen allele CA10075242.

ClinVar aggregate classification (germline): Likely benign (1 of 4 stars; one submission).

Allele frequency attached by ClinVar (database versions not stated): gnomAD exomes 0.00005; gnomAD 0.00006; TOPMed 0.00006; ExAC 0.00008; ESP Exome Variant Server 0.00023.
gnomAD v4.1: 87 of 1,610,878 alleles (0.0054%); highest among the groups gnomAD compares: African/African-American, 0.016%; no homozygotes.

Submission:

CeGaT Center for Human Genetics Tuebingen
Classification: Likely benign. Last evaluated: 2022-10-01. Review status: criteria provided, single submitter. Criteria: CeGaT Center For Human Genetics Tuebingen Variant Classification Criteria Version 2. Collection method: clinical testing. Allele origin: germline. Affected: yes. Observed: 1 variant allele.
Comment: LSS: BP4, BP7